The following is an entry in ClinVar:

NM_002206.3(ITGA7):c.1765A>C (p.Ile589Leu)

Gene: ITGA7 (integrin subunit alpha 7; minus strand). Cytogenetic location: 12q13.2.
Variant type: single nucleotide variant.
Coding change: c.1765A>C on transcript NM_002206.3 (MANE Select); coding-DNA position 1765, A replaced by C.
Protein change: p.Ile589Leu; replaces isoleucine 589 with leucine.
Molecular consequence: missense variant.
Genome position (GRCh38, 1-based): chr12:55,696,405, T>G on the plus strand (A>C on the coding strand, the complement: ITGA7 is on the minus strand). VCF-style: chr12-55696405-T-G. GRCh37 (hg19) VCF-style: chr12-56090189-T-G.
Other names: c.1777A>C, p.Ile593Leu (NM_001144996.2); c.1486A>C, p.Ile496Leu (NM_001144997.2); c.1438A>C, p.Ile480Leu (NM_001367993.1); c.421A>C, p.Ile141Leu (NM_001367994.1); c.1747A>C, p.Ile583Leu (NM_001374465.1); c.1897A>C, p.Ile633Leu (NM_001410977.1); c.1759A>C, p.Ile587Leu (NM_001414029.1); c.1690A>C, p.Ile564Leu (NM_001414030.1); and 5 more; short protein forms I589L, I496L, I480L, I141L, I593L, I583L, I633L, I528L.
Identifiers: ClinVar variation 94034 (VCV000094034.15), dbSNP rs200065922, ClinGen allele CA221921.
Genomic context (GRCh38, chr12:55,696,405, plus strand): 5'-GGCCAGGAGCCTGTCGCCGGAGCCGAGGGGTCTGGAGACTGTAGGACAAGGTCACTACAA[T>G]GGCCCGAAGCTTGTCTTTGACATTTTCCTAGGAAGAGGAAGGTCTATTCCTCACTGGAAC-3'
Protein context (NP_002197.2, residues 579-599): QENVKDKLRA[Ile589Leu]VVTLSYSLQT

ClinVar aggregate classification (germline): Uncertain significance. Review status: criteria provided, multiple submitters, no conflicts (2 of 4 stars). 3 submissions from 3 submitters: Uncertain significance (3). Last evaluated 2023-08-22.

Conditions:
Congenital muscular dystrophy due to integrin alpha-7 deficiency. Also called: Congenital muscular dystrophy with integrin alpha-7 deficiency; Muscular dystrophy, congenital, due to ITGA7 deficiency; MYOPATHY, CONGENITAL, DUE TO INTEGRIN ALPHA-7 DEFICIENCY. Identifiers: Orphanet 34520, MedGen C2750786, MONDO:0013177, OMIM 613204.

Allele frequency attached by ClinVar (database versions not stated): gnomAD exomes 0.00036; ExAC 0.00058; gnomAD 0.00032; TOPMed 0.00037; ESP Exome Variant Server 0.00038.
gnomAD v4.1: 1,261 of 1,601,496 alleles (0.079%); highest among the groups gnomAD compares: Non-Finnish European, 0.1%; 2 homozygotes.

Submissions (3):

Revvity Omics, Revvity
Classification: Uncertain significance for Congenital muscular dystrophy due to integrin alpha-7 deficiency. Last evaluated: 2023-08-22. Review status: criteria provided, single submitter. Criteria: ACMG Guidelines, 2015. Collection method: clinical testing. Allele origin: germline.

Labcorp Genetics (formerly Invitae), Labcorp
Classification: Uncertain significance for Congenital muscular dystrophy due to integrin alpha-7 deficiency. Last evaluated: 2022-11-01. Review status: criteria provided, single submitter. Criteria: Invitae Variant Classification Sherloc (09022015). Collection method: clinical testing. Allele origin: germline.
Comment: This sequence change replaces isoleucine, which is neutral and non-polar, with leucine, which is neutral and non-polar, at codon 589 of the ITGA7 protein (p.Ile589Leu). This variant is present in population databases (rs200065922, gnomAD 0.06%). This variant has not been reported in the literature in individuals affected with ITGA7-related conditions. ClinVar contains an entry for this variant (Variation ID: 94034). Advanced modeling of protein sequence and biophysical properties (such as structural, functional, and spatial information, amino acid conservation, physicochemical variation, residue mobility, and thermodynamic stability) performed at Invitae indicates that this missense variant is not expected to disrupt ITGA7 protein function. In summary, the available evidence is currently insufficient to determine the role of this variant in disease. Therefore, it has been classified as a Variant of Uncertain Significance.

Eurofins Ntd Llc (ga)
Classification: Uncertain significance. Last evaluated: 2013-04-30. Review status: criteria provided, single submitter. Criteria: EGL Classification Definitions 2015. Collection method: clinical testing. Allele origin: germline. Observed: 1 variant allele, 1 heterozygote.